The following is an entry in ClinVar:

NM_000059.4(BRCA2):c.6182dup (p.Ser2062fs)

Gene: BRCA2 (BRCA2 DNA repair associated; plus strand). Cytogenetic location: 13q13.1.
Variant type: Duplication.
Coding change: c.6182dup on transcript NM_000059.4 (MANE Select); coding-DNA position 6182, one base duplicated (C; older notation c.6182dupC).
Protein change: p.Ser2062fs; shifts the reading frame from serine 2062.
Molecular consequence: frameshift variant.
Genome position (GRCh38, 1-based): chr13:32,340,537, C duplicated. VCF-style (leftmost placement, unchanged base first): chr13-32340536-G-GC. GRCh37 (hg19) VCF-style: chr13-32914673-G-GC.
Other names: short protein forms S2062fs.
Identifiers: ClinVar variation 1413767 (VCV001413767.6), dbSNP rs2137525058, ClinGen allele CA2573149411.

ClinVar aggregate classification (germline): Pathogenic (1 of 4 stars; one submission).

Conditions:
Hereditary breast ovarian cancer syndrome. Also called: Hereditary breast and ovarian cancer syndrome (HBOC); Breast and ovarian cancer; Hereditary breast and ovarian cancer syndrome; Hereditary breast and/or ovarian cancer syndrome; BRCA1- and BRCA2-Associated Hereditary Breast and Ovarian Cancer; Hereditary breast and ovarian cancer. Identifiers: Orphanet 145, MedGen C0677776, MeSH D061325, MONDO:0003582. Disease mechanism: loss of function.

Submission:

Labcorp Genetics (formerly Invitae), Labcorp
Classification: Pathogenic for Hereditary breast ovarian cancer syndrome. Last evaluated: 2021-04-14. Review status: criteria provided, single submitter. Criteria: Invitae Variant Classification Sherloc (09022015). Collection method: clinical testing. Allele origin: germline.
Comment: For these reasons, this variant has been classified as Pathogenic. This variant has not been reported in the literature in individuals with BRCA2-related conditions. This variant is not present in population databases (ExAC no frequency). This sequence change creates a premature translational stop signal (p.Ser2062Lysfs*16) in the BRCA2 gene. It is expected to result in an absent or disrupted protein product. Loss-of-function variants in BRCA2 are known to be pathogenic (PMID: 20104584).

Literature cited by the submitters: PubMed 20104584.